The following is an entry in ClinVar:

ClinVar aggregate classification (germline): Uncertain significance (1 of 4 stars; one submission).

Conditions:
Familial cancer of breast. Also called: hereditary breast carcinoma; Hereditary breast cancer; BREAST CANCER, FAMILIAL. Identifiers: Orphanet 227535, MedGen C0346153, MONDO:0016419, OMIM 114480. Disease mechanism: loss of function.

Submission:

Labcorp Genetics (formerly Invitae), Labcorp
Classification: Uncertain significance for Familial cancer of breast. Last evaluated: 2020-12-04. Review status: criteria provided, single submitter. Criteria: Invitae Variant Classification Sherloc (09022015). Collection method: clinical testing. Allele origin: germline.
Comment: This sequence change replaces serine with isoleucine at codon 159 of the BARD1 protein (p.Ser159Ile). The serine residue is moderately conserved and there is a large physicochemical difference between serine and isoleucine. This variant is not present in population databases (ExAC no frequency). This variant has not been reported in the literature in individuals with BARD1-related conditions. Algorithms developed to predict the effect of missense changes on protein structure and function (SIFT, PolyPhen-2, Align-GVGD) all suggest that this variant is likely to be tolerated, but these predictions have not been confirmed by published functional studies and their clinical significance is uncertain. In summary, the available evidence is currently insufficient to determine the role of this variant in disease. Therefore, it has been classified as a Variant of Uncertain Significance.

NM_000465.4(BARD1):c.476G>T (p.Ser159Ile)

Gene: BARD1 (BRCA1 associated RING domain 1; minus strand). Cytogenetic location: 2q35.
Variant type: single nucleotide variant.
Coding change: c.476G>T on transcript NM_000465.4 (MANE Select); coding-DNA position 476, G replaced by T.
Protein change: p.Ser159Ile; replaces serine 159 with isoleucine.
Molecular consequence: missense variant. On other transcripts: non-coding transcript variant (2), intron variant (3).
Genome position (GRCh38, 1-based): chr2:214,781,398, C>A on the plus strand (G>T on the coding strand, the complement: BARD1 is on the minus strand). VCF-style: chr2-214781398-C-A. GRCh37 (hg19) VCF-style: chr2-215646122-C-A.
Other names: c.419G>T, p.Ser140Ile (NM_001282543.2); c.158+28014G>T (NM_001282548.2); c.215+15663G>T (NM_001282545.2); c.364+10899G>T (NM_001282549.2); short protein forms S159I, S140I.
Identifiers: ClinVar variation 1353461 (VCV001353461.9), dbSNP rs786203226, ClinGen allele CA350457569.
Genomic context (GRCh38, chr2:214,781,398, plus strand): 5'-GAGTCTTGCTGAGCACTTGCATCTTTTTTTATTGCAGGCTGGGTTTGCACTGAAGCTTTA[C>A]TCACAACATATCTGACTTTCTTACTTCGAGGGCTAAACCACATTTTAATTGAATTCTTCT-3'
Protein context (NP_000456.2, residues 149-169): PRSKKVRYVV[Ser159Ile]KASVQTQPAI